The following is an entry in ClinVar:

ClinVar aggregate classification (germline): Likely benign. Review status: criteria provided, multiple submitters, no conflicts (2 of 4 stars). 8 submissions from 8 submitters: Likely benign (7). 1 of the submissions does not count toward it. Last evaluated 2026-02-02.

Conditions:
RPGRIP1L-related disorder. Also called: RPGRIP1L-related condition; RPGRIP1L-related disorders. Identifiers: MedGen CN239416.
Meckel-Gruber syndrome. Also called: GRUBER SYNDROME; DYSENCEPHALIA SPLANCHNOCYSTICA; Dysencephalia splachnocystica. Identifiers: Orphanet 564, MedGen C0265215, MONDO:0018921.
Joubert syndrome. Also called: Familial aplasia of the vermis; JOUBERT-BOLTSHAUSER SYNDROME. Identifiers: Orphanet 475, MedGen C5979921, MONDO:0018772.

Allele frequency attached by ClinVar (database versions not stated): gnomAD 0.00266 and 0.00241; ESP Exome Variant Server 0.00346; gnomAD exomes 0.00052; ExAC 0.00065; 1000 Genomes Project 0.00120; 1000 Genomes Project 30x 0.00172; TOPMed 0.00228.
gnomAD v4.1: 701 of 1,614,042 alleles (0.043%); highest among the groups gnomAD compares: African/African-American, 0.82%; 3 homozygotes.

Submissions (8):

Labcorp Genetics (formerly Invitae), Labcorp
Classification: Likely benign for Joubert syndrome; Meckel-Gruber syndrome. Last evaluated: 2026-02-02. Review status: criteria provided, single submitter. Criteria: Invitae Variant Classification Sherloc (09022015). Collection method: clinical testing. Allele origin: germline.

Mayo Clinic Laboratories, Mayo Clinic
Classification: Likely benign. Last evaluated: 2025-12-17. Review status: criteria provided, single submitter. Criteria: ACMG Guidelines, 2015. Collection method: clinical testing. Allele origin: germline. Observed: 1 variant allele.
Comment: BS1

Blueprint Genetics
Classification: Likely benign. Last evaluated: 2024-11-01. Review status: criteria provided, single submitter. Criteria: ACMG Guidelines, 2015. Collection method: clinical testing. Allele origin: germline.

CeGaT Center for Human Genetics Tuebingen
Classification: Likely benign. Last evaluated: 2022-08-01. Review status: criteria provided, single submitter. Criteria: CeGaT Center For Human Genetics Tuebingen Variant Classification Criteria Version 2. Collection method: clinical testing. Allele origin: germline. Affected: yes. Observed: 1 variant allele.
Comment: RPGRIP1L: BP4, BS2

GeneDx
Classification: Likely benign. Last evaluated: 2021-06-21. Review status: criteria provided, single submitter. Criteria: GeneDx Variant Classification Process June 2021. Collection method: clinical testing. Allele origin: germline. Affected: yes.

Eurofins Ntd Llc (ga)
Classification: Likely benign. Last evaluated: 2016-05-12. Review status: criteria provided, single submitter. Criteria: EGL Classification Definitions 2015. Collection method: clinical testing. Allele origin: germline. Observed: 1 variant allele, 1 homozygote.

Breakthrough Genomics
Classification: Likely benign. Review status: criteria provided, single submitter. Criteria: ACMG Guidelines, 2015. Collection method: not provided. Allele origin: germline. Inheritance: Autosomal recessive inheritance. Affected: yes.

PreventionGenetics, part of Exact Sciences
Classification: Benign for RPGRIP1L-related condition. Last evaluated: 2022-03-21. Review status: no assertion criteria provided. Collection method: clinical testing. Allele origin: germline. Not counted in ClinVar's aggregate classification.
Comment: This variant is classified as benign based on ACMG/AMP sequence variant interpretation guidelines (Richards et al. 2015 PMID: 25741868, with internal and published modifications).

NM_015272.5(RPGRIP1L):c.3745G>T (p.Asp1249Tyr)

Gene: RPGRIP1L (RPGRIP1 like; minus strand). Cytogenetic location: 16q12.2.
Variant type: single nucleotide variant.
Coding change: c.3745G>T on transcript NM_015272.5 (MANE Select); coding-DNA position 3745, G replaced by T.
Protein change: p.Asp1249Tyr; replaces aspartic acid 1249 with tyrosine.
Molecular consequence: missense variant.
Genome position (GRCh38, 1-based): chr16:53,605,571, C>A on the plus strand (G>T on the coding strand, the complement: RPGRIP1L is on the minus strand). VCF-style: chr16-53605571-C-A. GRCh37 (hg19) VCF-style: chr16-53639483-C-A.
Other names: p.Asp1249Tyr; c.3505G>T, p.Asp1169Tyr (NM_001127897.4); c.3607G>T, p.Asp1203Tyr (NM_001308334.3); c.3643G>T, p.Asp1215Tyr (NM_001330538.2); c.3745G>T (NM_015272.4); short protein forms D1169Y, D1249Y, D1203Y, D1215Y.
Identifiers: ClinVar variation 287593 (VCV000287593.46), dbSNP rs148773489, ClinGen allele CA8057189.